The following is an entry in ClinVar:

NM_021098.3(CACNA1H):c.1386G>C (p.Lys462Asn)

Gene: CACNA1H (calcium voltage-gated channel subunit alpha1 H; plus strand). Cytogenetic location: 16p13.3.
Variant type: single nucleotide variant.
Coding change: c.1386G>C on transcript NM_021098.3 (MANE Select); coding-DNA position 1386, G replaced by C.
Protein change: p.Lys462Asn; replaces lysine 462 with asparagine.
Molecular consequence: missense variant.
Genome position (GRCh38, 1-based): chr16:1,201,836, G>C. VCF-style: chr16-1201836-G-C. GRCh37 (hg19) VCF-style: chr16-1251836-G-C.
Other names: c.1386G>C, p.Lys462Asn (NM_001005407.2); short protein forms K462N.
Identifiers: ClinVar variation 1505435 (VCV001505435.8), dbSNP rs2141256263, ClinGen allele CA394160604.

ClinVar aggregate classification (germline): Uncertain significance (1 of 4 stars; one submission).

Conditions:
Idiopathic generalized epilepsy. Also called: Generalised epilepsy; EIG. Identifiers: MedGen C0270850, MONDO:0005579, OMIM 600669.
Hyperaldosteronism, familial, type IV (HALD4). Also called: FH IV; ALDOSTERONISM, PRIMARY, AND HYPERTENSION. Identifiers: Orphanet 642671, MedGen C4310756, MONDO:0014875, OMIM 617027.

Allele frequency attached by ClinVar (database versions not stated): gnomAD exomes below 0.00001.

Submission:

Labcorp Genetics (formerly Invitae), Labcorp
Classification: Uncertain significance for Idiopathic generalized epilepsy; Hyperaldosteronism, familial, type IV. Last evaluated: 2025-12-22. Review status: criteria provided, single submitter. Criteria: Invitae Variant Classification Sherloc (09022015). Collection method: clinical testing. Allele origin: germline.
Comment: This sequence change replaces lysine, which is basic and polar, with asparagine, which is neutral and polar, at codon 462 of the CACNA1H protein (p.Lys462Asn). This variant is not present in population databases (gnomAD no frequency). This variant has not been reported in the literature in individuals affected with CACNA1H-related conditions. ClinVar contains an entry for this variant (Variation ID: 1505435). Invitae Evidence Modeling of protein sequence and biophysical properties (such as structural, functional, and spatial information, amino acid conservation, physicochemical variation, residue mobility, and thermodynamic stability) indicates that this missense variant is not expected to disrupt CACNA1H protein function with a negative predictive value of 80%. In summary, the available evidence is currently insufficient to determine the role of this variant in disease. Therefore, it has been classified as a Variant of Uncertain Significance.